The following is an entry in ClinVar:

NM_001172509.2(SATB2):c.1592dup (p.Asn531fs)

Gene: SATB2 (SATB homeobox 2; minus strand). Cytogenetic location: 2q33.1.
Variant type: Duplication.
Coding change: c.1592dup on transcript NM_001172509.2 (MANE Select); coding-DNA position 1592, one base duplicated (A; older notation c.1592dupA).
Protein change: p.Asn531fs; shifts the reading frame from asparagine 531.
Molecular consequence: frameshift variant.
Genome position (GRCh38, 1-based): chr2:199,308,908, T duplicated on the plus strand (A on the coding strand, the reverse complement: SATB2 is on the minus strand); the first of 4 consecutive T bases (chr2:199,308,908-199,308,911); duplicating any one gives the same sequence. VCF-style (leftmost placement, unchanged base first): chr2-199308907-G-GT. GRCh37 (hg19) VCF-style: chr2-200173630-G-GT.
Other names: c.1592dup, p.Asn531fs (NM_001172517.1, NM_015265.4); c.1592dupA (NM_015265.3); short protein forms N531fs.
Identifiers: ClinVar variation 469544 (VCV000469544.7), dbSNP rs1553544158, ClinGen allele CA658657196.

ClinVar aggregate classification (germline): Pathogenic (1 of 4 stars; one submission).

Conditions:
Chromosome 2q32-q33 deletion syndrome (GLASS). Also called: Glass syndrome; 2q33.1 deletion syndrome. Identifiers: Orphanet 251019, MedGen C2676739, MONDO:0012864, OMIM 612313.

Submission:

Labcorp Genetics (formerly Invitae), Labcorp
Classification: Pathogenic for Chromosome 2q32-q33 deletion syndrome. Last evaluated: 2017-02-04. Review status: criteria provided, single submitter. Criteria: Invitae Variant Classification Sherloc (09022015). Collection method: clinical testing. Allele origin: germline.
Comment: For these reasons, this variant has been classified as Pathogenic. While this particular variant has not been reported in the literature, loss-of-function variants in SATB2 are known to be pathogenic (PMID: 25885067, 17377962, 26596517). This sequence change inserts 1 nucleotide in exon 11 of the SATB2 mRNA (c.1592dupA), causing a frameshift at codon 531. This creates a premature translational stop signal (p.Asn531Lysfs*21) and is expected to result in an absent or disrupted protein product.

Literature cited by the submitters: PubMed 25885067; PubMed 17377962; PubMed 26596517.